The following is an entry in ClinVar:

NM_005754.3(G3BP1):c.167A>G (p.Tyr56Cys)

Gene: G3BP1 (G3BP stress granule assembly factor 1; plus strand). Cytogenetic location: 5q33.1.
Variant type: single nucleotide variant.
Coding change: c.167A>G on transcript NM_005754.3 (MANE Select); coding-DNA position 167, A replaced by G.
Protein change: p.Tyr56Cys; replaces tyrosine 56 with cysteine.
Molecular consequence: missense variant.
Genome position (GRCh38, 1-based): chr5:151,790,394, A>G. VCF-style: chr5-151790394-A-G. GRCh37 (hg19) VCF-style: chr5-151169955-A-G.
Other names: c.167A>G, p.Tyr56Cys (NM_198395.2); short protein forms Y56C.
Identifiers: ClinVar variation 3366070 (VCV003366070.1).
Genomic context (GRCh38, chr5:151,790,394, plus strand): 5'-AGAACTCTTCTTATGTCCATGGGGGATTGGATTCAAATGGAAAGCCAGCAGATGCAGTCT[A>G]CGGACAGAAAGTAAGCATTTCAAGCCTTATTTAGGCTGTTAAGCAGGTAGAAAATAACTC-3'
Protein context (NP_005745.1, residues 46-66): DSNGKPADAV[Tyr56Cys]GQKEIHRKVM

ClinVar aggregate classification (germline): Uncertain significance (1 of 4 stars; one submission).

gnomAD v4.1: 6 of 1,574,616 alleles (0.00038%); highest among the groups gnomAD compares: Non-Finnish European, 0.00043%; no homozygotes.

Submission:

GeneDx
Classification: Uncertain significance. Last evaluated: 2023-10-18. Review status: criteria provided, single submitter. Criteria: GeneDx Variant Classification Process June 2021. Collection method: clinical testing. Allele origin: germline. Affected: yes.
Comment: Not observed at significant frequency in large population cohorts (gnomAD); In silico analysis supports that this missense variant has a deleterious effect on protein structure/function; Has not been previously published as pathogenic or benign to our knowledge